The following is an entry in ClinVar:

ClinVar aggregate classification (germline): Pathogenic (1 of 4 stars; one submission).

Conditions:
MHC class II deficiency. Also called: Bare lymphocyte syndrome 2; BLS, TYPE II. Identifiers: Orphanet 572, MedGen C5447452, MONDO:0008855.

Submission:

Labcorp Genetics (formerly Invitae), Labcorp
Classification: Pathogenic for MHC class II deficiency. Last evaluated: 2025-05-13. Review status: criteria provided, single submitter. Criteria: Invitae Variant Classification Sherloc (09022015). Collection method: clinical testing. Allele origin: germline.
Comment: This sequence change creates a premature translational stop signal (p.Ala702Glnfs*23) in the CIITA gene. It is expected to result in an absent or disrupted protein product. Loss-of-function variants in CIITA are known to be pathogenic (PMID: 8402893, 9099848, 26271388). This variant is not present in population databases (gnomAD no frequency). This variant has not been reported in the literature in individuals affected with CIITA-related conditions. ClinVar contains an entry for this variant (Variation ID: 2135145). For these reasons, this variant has been classified as Pathogenic.

Literature cited by the submitters: PubMed 8402893; PubMed 9099848; PubMed 26271388.

NM_000246.4(CIITA):c.2103del (p.Ala702fs)

Gene: CIITA (class II major histocompatibility complex transactivator; plus strand). Cytogenetic location: 16p13.13.
Variant type: Deletion.
Coding change: c.2103del on transcript NM_000246.4 (MANE Select); coding-DNA position 2103, one base deleted (C; older notation c.2103delC).
Protein change: p.Ala702fs; shifts the reading frame from alanine 702.
Molecular consequence: frameshift variant. On other transcripts: intron variant (1).
Genome position (GRCh38, 1-based): chr16:10,907,595, C deleted; the last of 2 consecutive C bases (chr16:10,907,594-10,907,595); deleting either gives the same sequence. VCF-style (leftmost placement, unchanged base first): chr16-10907593-GC-G. GRCh37 (hg19) VCF-style: chr16-11001450-GC-G.
Other names: c.2106del, p.Ala703fs (NM_001286402.1, NM_001379332.1); c.1959del, p.Ala654fs (NM_001379330.1); c.1956del, p.Ala653fs (NM_001379331.1); c.2103del, p.Ala702fs (NM_001379333.1); c.2034del, p.Ala679fs (NM_001379334.1); c.860-1388del (NM_001286403.2); short protein forms A702fs, A703fs, A654fs, A679fs, A653fs.
Identifiers: ClinVar variation 2135145 (VCV002135145.4), dbSNP rs2544490239, ClinGen allele CA2580090687.